The following is an entry in ClinVar:

ClinVar aggregate classification (germline): Uncertain significance (1 of 4 stars; one submission).

Conditions:
Adenylosuccinate lyase deficiency (ADSLD). Also called: ADSL DEFICIENCY. Identifiers: Orphanet 46, MedGen C0268126, MONDO:0007068, OMIM 103050.

Submission:

Labcorp Genetics (formerly Invitae), Labcorp
Classification: Uncertain significance for Adenylosuccinate lyase deficiency. Last evaluated: 2024-02-24. Review status: criteria provided, single submitter. Criteria: Invitae Variant Classification Sherloc (09022015). Collection method: clinical testing. Allele origin: germline.
Comment: This variant occurs in a non-coding region of the ADSL gene. It does not change the encoded amino acid sequence of the ADSL protein. This variant is not present in population databases (gnomAD no frequency). This variant has not been reported in the literature in individuals affected with ADSL-related conditions. Experimental studies and prediction algorithms are not available or were not evaluated, and the functional significance of this variant is currently unknown. In summary, the available evidence is currently insufficient to determine the role of this variant in disease. Therefore, it has been classified as a Variant of Uncertain Significance.

NC_000022.11:g.40345723C>A

Gene: ADSL (adenylosuccinate lyase; plus strand). Cytogenetic location: 22q13.1.
Variant type: single nucleotide variant.
Genome position: GRCh38 VCF-style: chr22-40345723-C-A. GRCh37 (hg19) VCF-style: chr22-40741727-C-A.
Identifiers: ClinVar variation 2083598 (VCV002083598.5), dbSNP rs2518074344, ClinGen allele CA2580099802.